The following is an entry in ClinVar:

NM_012268.4(PLD3):c.1124G>A (p.Arg375Gln)

Gene: PLD3 (phospholipase D family member 3; plus strand). Cytogenetic location: 19q13.2.
Variant type: single nucleotide variant.
Coding change: c.1124G>A on transcript NM_012268.4 (MANE Select); coding-DNA position 1124, G replaced by A.
Protein change: p.Arg375Gln; replaces arginine 375 with glutamine.
Molecular consequence: missense variant.
Genome position (GRCh38, 1-based): chr19:40,376,713, G>A. VCF-style: chr19-40376713-G-A. GRCh37 (hg19) VCF-style: chr19-40882620-G-A.
Other names: c.1124G>A, p.Arg375Gln (NM_001031696.4, NM_001291311.2); short protein forms R375Q.
Identifiers: ClinVar variation 2649876 (VCV002649876.27), dbSNP rs374352480, ClinGen allele CA9442941.

ClinVar aggregate classification (germline): Conflicting classifications of pathogenicity. Review status: criteria provided, conflicting classifications (1 of 4 stars). 2 submissions from 2 submitters: Uncertain significance (1); Likely benign (1). Last evaluated 2025-04-22.

Allele frequency attached by ClinVar (database versions not stated): ExAC 0.00012; 1000 Genomes Project 30x 0.00016; 1000 Genomes Project 0.00020; gnomAD 0.00003; TOPMed 0.00006; ESP Exome Variant Server 0.00008.
gnomAD v4.1: 75 of 1,603,032 alleles (0.0047%); highest among the groups gnomAD compares: Non-Finnish European, 0.0045%; no homozygotes.

Submissions (2):

Labcorp Genetics (formerly Invitae), Labcorp
Classification: Uncertain significance. Last evaluated: 2025-04-22. Review status: criteria provided, single submitter. Criteria: Invitae Variant Classification Sherloc (09022015). Collection method: clinical testing. Allele origin: germline.
Comment: This sequence change replaces arginine, which is basic and polar, with glutamine, which is neutral and polar, at codon 375 of the PLD3 protein (p.Arg375Gln). This variant is present in population databases (rs374352480, gnomAD 0.03%). This variant has not been reported in the literature in individuals affected with PLD3-related conditions. ClinVar contains an entry for this variant (Variation ID: 2649876). An algorithm developed to predict the effect of missense changes on protein structure and function (PolyPhen-2) suggests that this variant is likely to be tolerated. In summary, the available evidence is currently insufficient to determine the role of this variant in disease. Therefore, it has been classified as a Variant of Uncertain Significance.

CeGaT Center for Human Genetics Tuebingen
Classification: Likely benign. Last evaluated: 2023-02-01. Review status: criteria provided, single submitter. Criteria: CeGaT Center For Human Genetics Tuebingen Variant Classification Criteria Version 2. Collection method: clinical testing. Allele origin: germline. Affected: yes. Observed: 1 variant allele.
Comment: PLD3: BP4, BS2